The following is an entry in ClinVar:

NM_001374623.1(PNPLA1):c.240C>T (p.Ala80=)

Gene: PNPLA1 (patatin like domain 1, omega-hydroxyceramide transacylase; plus strand). Cytogenetic location: 6p21.31.
Variant type: single nucleotide variant.
Coding change: c.240C>T on transcript NM_001374623.1 (MANE Select); coding-DNA position 240, C replaced by T.
Protein change: p.Ala80=; no amino-acid change (alanine 80 retained).
Molecular consequence: synonymous variant. On other transcripts: 5 prime UTR variant (2).
Genome position (GRCh38, 1-based): chr6:36,291,354, C>T. VCF-style: chr6-36291354-C-T. GRCh37 (hg19) VCF-style: chr6-36259131-C-T.
Other names: c.-46C>T (NM_001145716.2, NM_173676.2); c.240C>T, p.Ala80= (NM_001145717.1).
Identifiers: ClinVar variation 3046860 (VCV003046860.3), dbSNP rs765149427, ClinGen allele CA3777627.

ClinVar aggregate classification (germline): Likely benign. Review status: criteria provided, single submitter (1 of 4 stars). 2 submissions from 2 submitters: Likely benign (1). 1 of the submissions does not count toward it. Last evaluated 2025-09-26.

Conditions:
PNPLA1-related disorder. Also called: PNPLA1-related condition.

Allele frequency attached by ClinVar (database versions not stated): gnomAD 0.00005; gnomAD exomes 0.00009; TOPMed 0.00011; ExAC 0.00016.
gnomAD v4.1: 141 of 1,613,950 alleles (0.0087%); highest among the groups gnomAD compares: Admixed American, 0.065%; 1 homozygote.

Submissions (2):

Labcorp Genetics (formerly Invitae), Labcorp
Classification: Likely benign. Last evaluated: 2025-09-26. Review status: criteria provided, single submitter. Criteria: Invitae Variant Classification Sherloc (09022015). Collection method: clinical testing. Allele origin: germline.

PreventionGenetics, part of Exact Sciences
Classification: Likely benign for PNPLA1-related condition. Last evaluated: 2020-05-12. Review status: no assertion criteria provided. Collection method: clinical testing. Allele origin: germline. Not counted in ClinVar's aggregate classification.
Comment: This variant is classified as likely benign based on ACMG/AMP sequence variant interpretation guidelines (Richards et al. 2015 PMID: 25741868, with internal and published modifications).